The following is an entry in ClinVar:

NM_004525.3(LRP2):c.8968A>G (p.Arg2990Gly)

Gene: LRP2 (LDL receptor related protein 2; minus strand). Cytogenetic location: 2q31.1.
Variant type: single nucleotide variant.
Coding change: c.8968A>G on transcript NM_004525.3 (MANE Select); coding-DNA position 8968, A replaced by G.
Protein change: p.Arg2990Gly; replaces arginine 2990 with glycine.
Molecular consequence: missense variant.
Genome position (GRCh38, 1-based): chr2:169,191,896, T>C on the plus strand (A>G on the coding strand, the complement: LRP2 is on the minus strand). VCF-style: chr2-169191896-T-C. GRCh37 (hg19) VCF-style: chr2-170048406-T-C.
Other names: short protein forms R2990G.
Identifiers: ClinVar variation 2006613 (VCV002006613.4), dbSNP rs1457306857, ClinGen allele CA349159244.
Genomic context (GRCh38, chr2:169,191,896, plus strand): 5'-ATATCTTTGGGATACACAGTCCGTAACCACAGGTGAATTCATTTTCAGAGCAAGTTCTCC[T>C]GGTGCAATTCTGATTCTCATCGTAGCCGTCAGTACAATCCACATCGCCATCACAGACCCA-3'
Protein context (NP_004516.2, residues 2980-3000): DGYDENQNCT[Arg2990Gly]RTCSENEFTC

ClinVar aggregate classification (germline): Uncertain significance (1 of 4 stars; one submission).

Allele frequency attached by ClinVar (database versions not stated): gnomAD exomes below 0.00001.
gnomAD v4.1: 2 of 1,614,190 alleles (0.00012%); highest among the groups gnomAD compares: Non-Finnish European, 0.00017%; no homozygotes.

Submission:

Labcorp Genetics (formerly Invitae), Labcorp
Classification: Uncertain significance. Last evaluated: 2022-10-17. Review status: criteria provided, single submitter. Criteria: Invitae Variant Classification Sherloc (09022015). Collection method: clinical testing. Allele origin: germline.
Comment: This sequence change replaces arginine, which is basic and polar, with glycine, which is neutral and non-polar, at codon 2990 of the LRP2 protein (p.Arg2990Gly). This variant is not present in population databases (gnomAD no frequency). This variant has not been reported in the literature in individuals affected with LRP2-related conditions. Advanced modeling of protein sequence and biophysical properties (such as structural, functional, and spatial information, amino acid conservation, physicochemical variation, residue mobility, and thermodynamic stability) performed at Invitae indicates that this missense variant is not expected to disrupt LRP2 protein function. In summary, the available evidence is currently insufficient to determine the role of this variant in disease. Therefore, it has been classified as a Variant of Uncertain Significance.